The following is an entry in ClinVar:

ClinVar aggregate classification (germline): Conflicting classifications of pathogenicity. Review status: criteria provided, conflicting classifications (1 of 4 stars). 13 submissions from 13 submitters: Uncertain significance (7); Likely benign (5). 1 of the submissions does not count toward it. Last evaluated 2026-01-13.

Conditions:
Lynch syndrome. Identifiers: Orphanet 144, MedGen C4552100, MONDO:0005835. Disease mechanism: loss of function.
Hereditary nonpolyposis colorectal neoplasms. Identifiers: MedGen C0009405, MeSH D003123.
Hereditary cancer-predisposing syndrome. Also called: Tumor predisposition; Hereditary Cancer Syndrome; Hereditary neoplastic syndrome; Neoplastic Syndromes, Hereditary. Identifiers: Orphanet 140162, MedGen C0027672, MeSH D009386, MONDO:0015356.
Lynch syndrome 4 (LYNCH4). Also called: Colorectal cancer, hereditary nonpolyposis, type 4; Hereditary non-polyposis colorectal cancer, type 4. Identifiers: Orphanet 144, MedGen C1838333, MONDO:0013699, OMIM 614337. Disease mechanism: loss of function.

Allele frequency attached by ClinVar (database versions not stated): ExAC 0.00001; gnomAD 0.00001; gnomAD exomes 0.00001; TOPMed 0.00001.
gnomAD v4.1: 18 of 1,614,044 alleles (0.0011%); highest among the groups gnomAD compares: South Asian, 0.0022%; no homozygotes.

Submissions (13):

Labcorp Genetics (formerly Invitae), Labcorp
Classification: Likely benign for Hereditary nonpolyposis colorectal neoplasms. Last evaluated: 2026-01-13. Review status: criteria provided, single submitter. Criteria: Invitae Variant Classification Sherloc (09022015). Collection method: clinical testing. Allele origin: germline.

Center for Genomic Medicine, Rigshospitalet, Copenhagen University Hospital
Classification: Uncertain significance. Last evaluated: 2025-03-04. Review status: criteria provided, single submitter. Criteria: ACMG Guidelines, 2015. Collection method: clinical testing. Allele origin: germline.

Molecular Pathology, Peter Maccallum Cancer Centre
Classification: Uncertain significance for Lynch syndrome 4. Last evaluated: 2025-01-06. Review status: criteria provided, single submitter. Criteria: ACMG Guidelines, 2015. Collection method: clinical testing. Allele origin: germline. Inheritance: Autosomal dominant inheritance.

GeneDx
Classification: Uncertain significance. Last evaluated: 2024-12-04. Review status: criteria provided, single submitter. Criteria: GeneDx Variant Classification Process June 2021. Collection method: clinical testing. Allele origin: germline. Affected: yes.
Comment: Not observed at significant frequency in large population cohorts (gnomAD); In silico analysis indicates that this missense variant does not alter protein structure/function; Published functional study demonstrates mismatch repair activity comparable to wild-type (PMID: 24027009); This variant is associated with the following publications: (PMID: 27435373, 16472587, 22290698, 26333163, 28135145, 33471991, Plazzer2024[CaseReport], 24027009, 34326862)

Ambry Genetics
Classification: Likely benign for Hereditary cancer-predisposing syndrome. Last evaluated: 2024-07-30. Review status: criteria provided, single submitter. Criteria: Ambry Variant Classification Scheme 2023. Collection method: clinical testing. Allele origin: germline.

Women's Health and Genetics/Laboratory Corporation of America, LabCorp
Classification: Uncertain significance. Last evaluated: 2024-07-19. Review status: criteria provided, single submitter. Criteria: LabCorp Variant Classification Summary - May 2015. Collection method: clinical testing. Allele origin: germline.
Comment: Variant summary: PMS2 c.1753C>A (p.Leu585Ile) results in a conservative amino acid change in the encoded protein sequence. Five of five in-silico tools predict a benign effect of the variant on protein function. The variant allele was found at a frequency of 8e-06 in 251402 control chromosomes (gnomAD). The available data on variant occurrences in the general population are insufficient to allow any conclusion about variant significance. c.1753C>A has been reported in the literature in individuals affected with features of Lynch Syndrome without strong evidence of causality (e.g. Hendriks_2006, van der Klift_2016, Yurgelun_2017, Bhai_2021). These reports do not provide unequivocal conclusions about association of the variant with Lynch Syndrome. Co-occurrence with another pathogenic variant in cis has been reported in multiple cases (PMS2 c.1882C>T, p.Arg628Ter, van der Klift_2016), providing supporting evidence for a benign role. At least one publication reports experimental evidence evaluating an impact on protein function, finding that the variant resulted in a mild reduction in repair efficiency (Drost_2013). The following publications have been ascertained in the context of this evaluation (PMID: 16472587, 24027009, 27435373, 28135145, 34326862). ClinVar contains an entry for this variant (Variation ID: 91313). Based on the evidence outlined above, the variant was classified as uncertain significance.

Quest Diagnostics Nichols Institute San Juan Capistrano
Classification: Uncertain significance. Last evaluated: 2024-01-30. Review status: criteria provided, single submitter. Criteria: Quest Diagnostics criteria. Collection method: clinical testing. Allele origin: unknown.
Comment: The PMS2 c.1753C>A (p.Leu585Ile) variant has been reported in the published literature in individuals with colorectal cancer (PMID: 16472587 (2006), 27435373 (2016), 28135145 (2017)) and endometrial cancer (PMID: 27435373 (2016)). In a large-scale breast cancer association study, the variant was observed in an individual with breast cancer as well as in unaffected individuals (PMID: 33471991 (2021), see also LOVD). It was also reported in an individual suspected of having a familial cancer syndrome with a strong family history (PMID: 34326862 (2021)). An invitro based functional study has reported that this variant does not have a deleterious effect on PMS2 mismatch repair activity (PMID: 24027009 (2013)). The frequency of this variant in the general population, 0.000023 (3/129142 chromosomes (Genome Aggregation Database)), is uninformative in the assessment of its pathogenicity. Analysis of this variant using bioinformatics tools for the prediction of the effect of amino acid changes on protein structure and function yielded predictions that this variant is benign. Based on the available information, we are unable to determine the clinical significance of this variant.

All of Us Research Program, National Institutes of Health
Classification: Likely benign for Lynch syndrome. Last evaluated: 2023-12-13. Review status: criteria provided, single submitter. Criteria: ACMG Guidelines, 2015. Collection method: clinical testing. Allele origin: germline. Inheritance: Autosomal dominant inheritance. Observed: 5 variant alleles, 5 heterozygotes.
Comment: This study involves interpretation of variants in research participants for the purpose of population health screening. Participant phenotype was not available at the time of variant classification. Additional details can be found in publication PMID: 35346344, PMCID: PMC8962531

Institute for Biomarker Research, Medical Diagnostic Laboratories, L.L.C.
Classification: Uncertain significance for Hereditary cancer-predisposing syndrome. Last evaluated: 2023-12-12. Review status: criteria provided, single submitter. Criteria: ACMG Guidelines, 2015. Collection method: clinical testing. Allele origin: germline.

Institute for Clinical Genetics, University Hospital TU Dresden, University Hospital TU Dresden
Classification: Uncertain significance. Last evaluated: 2021-11-03. Review status: criteria provided, single submitter. Criteria: ACMG Guidelines, 2015. Collection method: clinical testing. Allele origin: germline.

Department of Pathology and Laboratory Medicine, Sinai Health System
Classification: Likely benign for Lynch syndrome. Last evaluated: 2021-08-12. Review status: criteria provided, single submitter. Criteria: ACMG Guidelines, 2015. Collection method: clinical testing. Allele origin: germline. Affected: yes.

Color Diagnostics, LLC DBA Color Health
Classification: Likely benign for Hereditary cancer-predisposing syndrome. Last evaluated: 2020-11-03. Review status: criteria provided, single submitter. Criteria: ACMG Guidelines, 2015. Collection method: clinical testing. Allele origin: germline.

True Health Diagnostics
Classification: Likely benign for Hereditary cancer-predisposing syndrome. Last evaluated: 2017-07-31. Review status: no assertion criteria provided. Collection method: clinical testing. Allele origin: germline. Not counted in ClinVar's aggregate classification.

Literature cited by the submitters: PubMed 16472587 (cited by 3 submitters); PubMed 24027009 (cited by 4 submitters); PubMed 27435373 (cited by 4 submitters); PubMed 28135145 (cited by 3 submitters); PubMed 34326862 (cited by Women's Health and Genetics/Laboratory Corporation of America, LabCorp and Quest Diagnostics Nichols Institute San Juan Capistrano); PubMed 33471991 (cited by Quest Diagnostics Nichols Institute San Juan Capistrano).

NM_000535.7(PMS2):c.1753C>A (p.Leu585Ile)

Gene: PMS2 (PMS1 homolog 2, mismatch repair system component; minus strand). Cytogenetic location: 7p22.1.
Variant type: single nucleotide variant.
Coding change: c.1753C>A on transcript NM_000535.7 (MANE Select); coding-DNA position 1753, C replaced by A.
Protein change: p.Leu585Ile; replaces leucine 585 with isoleucine.
Molecular consequence: missense variant. On other transcripts: non-coding transcript variant (1).
Genome position (GRCh38, 1-based): chr7:5,987,012, G>T on the plus strand (C>A on the coding strand, the complement: PMS2 is on the minus strand). VCF-style: chr7-5987012-G-T. GRCh37 (hg19) VCF-style: chr7-6026643-G-T.
Other names: c.1348C>A, p.Leu450Ile (NM_001322003.2, NM_001322004.2, NM_001322005.2 and 1 more transcripts); c.1597C>A, p.Leu533Ile (NM_001322006.2); c.1435C>A, p.Leu479Ile (NM_001322007.2, NM_001322008.2); c.1192C>A, p.Leu398Ile (NM_001322010.2); c.820C>A, p.Leu274Ile (NM_001322011.2, NM_001322012.2); c.1180C>A, p.Leu394Ile (NM_001322013.2); c.1753C>A, p.Leu585Ile (NM_001322014.2); c.1444C>A, p.Leu482Ile (NM_001322015.2); short protein forms L585I, L274I, L533I, L394I, L479I, L398I, L450I, L482I.
Identifiers: ClinVar variation 91313 (VCV000091313.37), dbSNP rs63750947, ClinGen allele CA010216.